The following is an entry in ClinVar:

ClinVar aggregate classification (germline): Uncertain significance (1 of 4 stars; one submission).

Submission:

GeneDx
Classification: Uncertain significance. Last evaluated: 2024-08-05. Review status: criteria provided, single submitter. Criteria: GeneDx Variant Classification Process June 2021. Collection method: clinical testing. Allele origin: germline. Affected: yes.
Comment: Not observed at significant frequency in large population cohorts (gnomAD); In silico analysis indicates that this missense variant does not alter protein structure/function; Has not been previously published as pathogenic or benign to our knowledge

NM_001385012.1(NBEA):c.20G>T (p.Gly7Val)

Gene: NBEA (neurobeachin; plus strand). Cytogenetic location: 13q13.3.
Variant type: single nucleotide variant.
Coding change: c.20G>T on transcript NM_001385012.1 (MANE Select); coding-DNA position 20, G replaced by T.
Protein change: p.Gly7Val; replaces glycine 7 with valine.
Molecular consequence: missense variant.
Genome position (GRCh38, 1-based): chr13:34,942,840, G>T. VCF-style: chr13-34942840-G-T. GRCh37 (hg19) VCF-style: chr13-35516977-G-T.
Other names: c.20G>T, p.Gly7Val (NM_001379245.1, NM_015678.5); short protein forms G7V.
Identifiers: ClinVar variation 3603249 (VCV003603249.1).
Genomic context (GRCh38, chr13:34,942,840, plus strand): 5'-GCAGCGCCGCTGCTCTTCCCTTCTCCTCAGGAGGGGGGCCAATGGCTAGCGAGAAGCCGG[G>T]CCCGGGCCCGGGGCTCGAGCCTCAGCCCGTGGGGCTCATTGCCGTCGGGGCCGCTGGCGG-3'
Protein context (NP_001371941.1, residues 1-17): MASEKP[Gly7Val]PGPGLEPQPV